The following is an entry in ClinVar:

NM_020779.4(WDR35):c.2575G>C (p.Gly859Arg)

Genes: WDR35 (WD repeat domain 35; minus strand), LOC129933186 (ATAC-STARR-seq lymphoblastoid active region 15370; plus strand). Cytogenetic location: 2p24.1.
Variant type: single nucleotide variant.
Coding change: c.2575G>C on transcript NM_020779.4 (MANE Select); coding-DNA position 2575, G replaced by C.
Protein change: p.Gly859Arg; replaces glycine 859 with arginine.
Molecular consequence: missense variant.
Genome position (GRCh38, 1-based): chr2:19,933,484, C>G on the plus strand (G>C on the coding strand, the complement: WDR35 is on the minus strand). VCF-style: chr2-19933484-C-G. GRCh37 (hg19) VCF-style: chr2-20133245-C-G.
Other names: c.2608G>C, p.Gly870Arg (NM_001006657.2); short protein forms G859R, G870R.
Identifiers: ClinVar variation 1385280 (VCV001385280.8), dbSNP rs2103399882, ClinGen allele CA345942673.

ClinVar aggregate classification (germline): Uncertain significance (1 of 4 stars; one submission).

Conditions:
Cranioectodermal dysplasia 2 (CED2). Identifiers: Orphanet 1515, MedGen C3150874, MONDO:0013323, OMIM 613610.
Short-rib thoracic dysplasia 7 with or without polydactyly (SRTD7). Also called: Short rib polydactyly syndrome 5; SHORT-RIB THORACIC DYSPLASIA 7 WITH POLYDACTYLY. Identifiers: Orphanet 498497, Orphanet 93271, MedGen C3279792, MONDO:0013569, OMIM 614091.

Allele frequency attached by ClinVar (database versions not stated): gnomAD exomes below 0.00001.
gnomAD v4.1: 2 of 1,613,778 alleles (0.00012%); highest among the groups gnomAD compares: Non-Finnish European, 0.00017%; no homozygotes.

Submission:

Labcorp Genetics (formerly Invitae), Labcorp
Classification: Uncertain significance for Cranioectodermal dysplasia 2; Short-rib thoracic dysplasia 7 with or without polydactyly. Last evaluated: 2020-11-23. Review status: criteria provided, single submitter. Criteria: Invitae Variant Classification Sherloc (09022015). Collection method: clinical testing. Allele origin: germline.
Comment: This sequence change replaces glycine with arginine at codon 870 of the WDR35 protein (p.Gly870Arg). The glycine residue is highly conserved and there is a moderate physicochemical difference between glycine and arginine. This variant is not present in population databases (ExAC no frequency). This variant has not been reported in the literature in individuals with WDR35-related conditions. Algorithms developed to predict the effect of missense changes on protein structure and function (SIFT, PolyPhen-2, Align-GVGD) all suggest that this variant is likely to be disruptive, but these predictions have not been confirmed by published functional studies and their clinical significance is uncertain. In summary, the available evidence is currently insufficient to determine the role of this variant in disease. Therefore, it has been classified as a Variant of Uncertain Significance.